The following is an entry in ClinVar:

ClinVar aggregate classification (germline): Uncertain significance (1 of 4 stars; one submission).

Conditions:
Tuberous sclerosis 2 (TSC2). Identifiers: Orphanet 805, MedGen C1860707, MONDO:0013199, OMIM 613254.

Submission:

Labcorp Genetics (formerly Invitae), Labcorp
Classification: Uncertain significance for Tuberous sclerosis 2. Last evaluated: 2023-08-10. Review status: criteria provided, single submitter. Criteria: Invitae Variant Classification Sherloc (09022015). Collection method: clinical testing. Allele origin: germline.
Comment: Advanced modeling of protein sequence and biophysical properties (such as structural, functional, and spatial information, amino acid conservation, physicochemical variation, residue mobility, and thermodynamic stability) performed at Invitae indicates that this missense variant is not expected to disrupt TSC2 protein function. This sequence change replaces aspartic acid, which is acidic and polar, with glutamic acid, which is acidic and polar, at codon 731 of the TSC2 protein (p.Asp731Glu). This variant is not present in population databases (gnomAD no frequency). This variant has not been reported in the literature in individuals affected with TSC2-related conditions. ClinVar contains an entry for this variant (Variation ID: 2133500). In summary, the available evidence is currently insufficient to determine the role of this variant in disease. Therefore, it has been classified as a Variant of Uncertain Significance.

NM_000548.5(TSC2):c.2193C>G (p.Asp731Glu)

Gene: TSC2 (TSC complex subunit 2; plus strand). Cytogenetic location: 16p13.3.
Variant type: single nucleotide variant.
Coding change: c.2193C>G on transcript NM_000548.5 (MANE Select); coding-DNA position 2193, C replaced by G.
Protein change: p.Asp731Glu; replaces aspartic acid 731 with glutamic acid.
Molecular consequence: missense variant.
Genome position (GRCh38, 1-based): chr16:2,072,336, C>G. VCF-style: chr16-2072336-C-G. GRCh37 (hg19) VCF-style: chr16-2122337-C-G.
Other names: c.2193C>G, p.Asp731Glu (NM_001077183.3, NM_001114382.3, NM_001363528.2 and 6 more transcripts); c.2082C>G, p.Asp694Glu (NM_001318827.2, NM_001406670.1, NM_001406678.1); c.2046C>G, p.Asp682Glu (NM_001318829.2, NM_001406675.1, NM_001406676.1 and 1 more transcripts); c.1593C>G, p.Asp531Glu (NM_001318831.2, NM_001406682.1, NM_001406683.1 and 6 more transcripts); c.2226C>G, p.Asp742Glu (NM_001318832.2); c.2283C>G, p.Asp761Glu (NM_001406667.1, NM_001406668.1); c.849C>G, p.Asp283Glu (NM_001406689.1, NM_001406690.1, NM_001406691.1 and 6 more transcripts); c.591C>G, p.Asp197Glu (NM_001406698.1); and 3 more; short protein forms D283E, D577E, D694E, D742E, D727E, D731E, D197E, D682E.
Identifiers: ClinVar variation 2133500 (VCV002133500.4), dbSNP rs760053529, ClinGen allele CA394275028.
Genomic context (GRCh38, chr16:2,072,336, plus strand): 5'-CAGGCTGCCTGAGTCCCTGCGCTATAAAGTGCTCATCTTTACTTCCCCTTGCAGTGTGGA[C>G]CAGCTGTGCTCTGCTCTCTGCTCCATGGTACCATGGCCGGCCTGGGGTTGGGGTGGGGGA-3'
Protein context (NP_000539.2, residues 721-741): VLIFTSPCSV[Asp731Glu]QLCSALCSML